The following is an entry in ClinVar:

ClinVar aggregate classification (germline): Likely benign (0 of 4 stars; one submission).

Conditions:
KIDINS220-related disorder. Also called: KIDINS220-related condition.

gnomAD v4.1: 19 of 1,614,070 alleles (0.0012%); highest among the groups gnomAD compares: East Asian, 0.0089%; no homozygotes.

Submission:

PreventionGenetics, part of Exact Sciences
Classification: Likely benign for KIDINS220-related condition. Last evaluated: 2024-08-28. Review status: no assertion criteria provided. Collection method: clinical testing. Allele origin: germline.
Comment: This variant is classified as likely benign based on ACMG/AMP sequence variant interpretation guidelines (Richards et al. 2015 PMID: 25741868, with internal and published modifications).

NM_020738.4(KIDINS220):c.4491C>G (p.Ser1497=)

Gene: KIDINS220 (kinase D interacting substrate 220; minus strand). Cytogenetic location: 2p25.1.
Variant type: single nucleotide variant.
Coding change: c.4491C>G on transcript NM_020738.4 (MANE Select); coding-DNA position 4491, C replaced by G.
Protein change: p.Ser1497=; no amino-acid change (serine 1497 retained).
Molecular consequence: synonymous variant. On other transcripts: intron variant (6).
Genome position (GRCh38, 1-based): chr2:8,731,545, G>C on the plus strand (C>G on the coding strand, the complement: KIDINS220 is on the minus strand). VCF-style: chr2-8731545-G-C. GRCh37 (hg19) VCF-style: chr2-8871675-G-C.
Other names: c.4494C>G, p.Ser1498= (NM_001348729.2); c.4437C>G, p.Ser1479= (NM_001348731.2); c.4434C>G, p.Ser1478= (NM_001348732.2); c.4323C>G, p.Ser1441= (NM_001348734.2); c.4320C>G, p.Ser1440= (NM_001348735.2); c.4194C>G, p.Ser1398= (NM_001348736.2); c.3882+1899C>G (NM_001348741.2, NM_001348742.2, NM_001348743.2); c.3996+1899C>G (NM_001348738.2); and 1 more.
Identifiers: ClinVar variation 3357164 (VCV003357164.1).